The following is an entry in ClinVar:

ClinVar aggregate classification (germline): Uncertain significance (1 of 4 stars; one submission).

Submission:

Labcorp Genetics (formerly Invitae), Labcorp
Classification: Uncertain significance. Last evaluated: 2022-03-15. Review status: criteria provided, single submitter. Criteria: Invitae Variant Classification Sherloc (09022015). Collection method: clinical testing. Allele origin: germline.
Comment: Advanced modeling of protein sequence and biophysical properties (such as structural, functional, and spatial information, amino acid conservation, physicochemical variation, residue mobility, and thermodynamic stability) performed at Invitae indicates that this missense variant is not expected to disrupt KCNV2 protein function. In summary, the available evidence is currently insufficient to determine the role of this variant in disease. Therefore, it has been classified as a Variant of Uncertain Significance. This variant has not been reported in the literature in individuals affected with KCNV2-related conditions. This variant is not present in population databases (gnomAD no frequency). This sequence change replaces phenylalanine, which is neutral and non-polar, with valine, which is neutral and non-polar, at codon 118 of the KCNV2 protein (p.Phe118Val).

NM_133497.4(KCNV2):c.352T>G (p.Phe118Val)

Gene: KCNV2 (potassium voltage-gated channel modifier subfamily V member 2; plus strand). Cytogenetic location: 9p24.2.
Variant type: single nucleotide variant.
Coding change: c.352T>G on transcript NM_133497.4 (MANE Select); coding-DNA position 352, T replaced by G.
Protein change: p.Phe118Val; replaces phenylalanine 118 with valine.
Molecular consequence: missense variant.
Genome position (GRCh38, 1-based): chr9:2,718,091, T>G. VCF-style: chr9-2718091-T-G. GRCh37 (hg19) VCF-style: chr9-2718091-T-G.
Other names: short protein forms F118V.
Identifiers: ClinVar variation 1959322 (VCV001959322.5), dbSNP rs1483599440, ClinGen allele CA372796673.
Genomic context (GRCh38, chr9:2,718,091, plus strand): 5'-ACGCTGAATGTGAACGTGGGTGGCCACAGCTACCAGCTGGACTACTGCGAGCTGGCCGGC[T>G]TCCCCAAGACGCGCCTAGGTCGCCTGGCCACCTCCACCAGCCGCAGCCGCCAGCTAAGCC-3'
Protein context (NP_598004.1, residues 108-128): YQLDYCELAG[Phe118Val]PKTRLGRLAT